The following is an entry in ClinVar:

ClinVar aggregate classification (germline): Likely benign. Review status: criteria provided, multiple submitters, no conflicts (2 of 4 stars). 3 submissions from 3 submitters: Likely benign (2). 1 of the submissions does not count toward it. Last evaluated 2026-01-06.

Conditions:
SKIC2-related disorder. Also called: SKIC2-related condition.

Allele frequency attached by ClinVar (database versions not stated): ExAC 0.00007; gnomAD exomes 0.00008 and 0.00020; TOPMed 0.00010; gnomAD 0.00013; ESP Exome Variant Server 0.00036.
gnomAD v4.1: 307 of 1,612,676 alleles (0.019%); highest among the groups gnomAD compares: Non-Finnish European, 0.025%; no homozygotes.

Submissions (3):

Labcorp Genetics (formerly Invitae), Labcorp
Classification: Likely benign. Last evaluated: 2026-01-06. Review status: criteria provided, single submitter. Criteria: Invitae Variant Classification Sherloc (09022015). Collection method: clinical testing. Allele origin: germline.

CeGaT Center for Human Genetics Tuebingen
Classification: Likely benign. Last evaluated: 2026-01-01. Review status: criteria provided, single submitter. Criteria: CeGaT Center For Human Genetics Tuebingen Variant Classification Criteria Version 2. Collection method: clinical testing. Allele origin: germline. Affected: yes. Observed: 1 variant allele.
Comment: SKIC2: BP4, BP7

PreventionGenetics, part of Exact Sciences
Classification: Likely benign for SKIC2-related condition. Last evaluated: 2023-11-30. Review status: no assertion criteria provided. Collection method: clinical testing. Allele origin: germline. Not counted in ClinVar's aggregate classification.
Comment: This variant is classified as likely benign based on ACMG/AMP sequence variant interpretation guidelines (Richards et al. 2015 PMID: 25741868, with internal and published modifications).

NM_006929.5(SKIC2):c.1368C>T (p.Thr456=)

Gene: SKIC2 (SKI2 subunit of superkiller complex; plus strand). Cytogenetic location: 6p21.33.
Variant type: single nucleotide variant.
Coding change: c.1368C>T on transcript NM_006929.5 (MANE Select); coding-DNA position 1368, C replaced by T.
Protein change: p.Thr456=; no amino-acid change (threonine 456 retained).
Molecular consequence: synonymous variant.
Genome position (GRCh38, 1-based): chr6:31,963,056, C>T. VCF-style: chr6-31963056-C-T. GRCh37 (hg19) VCF-style: chr6-31930833-C-T.
Other names: c.1368C>T (NM_006929.4).
Identifiers: ClinVar variation 1587520 (VCV001587520.14), dbSNP rs139188277, ClinGen allele CA3729449.
Genomic context (GRCh38, chr6:31,963,056, plus strand): 5'-GTGGGAGGAGGTGCTTATCATGCTACCTGACCACGTTTCTATCATCCTTCTGAGTGCCAC[C>T]GTCCCCAACGCCCTTGAGTTTGCTGACTGGATTGGGTGAGACGTGTGTCCCGGGTTGCCT-3'
Protein context (NP_008860.4, residues 446-466): DHVSIILLSA[Thr456=]VPNALEFADW